The following is an entry in ClinVar:

ClinVar aggregate classification (germline): Conflicting classifications of pathogenicity. Review status: criteria provided, conflicting classifications (1 of 4 stars). 2 submissions from 2 submitters: Uncertain significance (1); Likely benign (1). Last evaluated 2025-09-22.

Conditions:
Primary ciliary dyskinesia. Also called: Ciliary dyskinesia. Identifiers: Orphanet 244, MedGen C0008780, MONDO:0016575, HP:0012265.

Allele frequency attached by ClinVar (database versions not stated): gnomAD exomes below 0.00001; gnomAD 0.00001; TOPMed 0.00001.
gnomAD v4.1: 3 of 1,613,822 alleles (0.00019%); highest among the groups gnomAD compares: Non-Finnish European, 0.000085%; no homozygotes.

Submissions (2):

Mayo Clinic Laboratories, Mayo Clinic
Classification: Uncertain significance. Last evaluated: 2025-09-22. Review status: criteria provided, single submitter. Criteria: ACMG Guidelines, 2015. Collection method: clinical testing. Allele origin: germline. Observed: 1 variant allele.
Comment: BP4_moderate, PM2_supporting

Ambry Genetics
Classification: Likely benign for Primary ciliary dyskinesia. Last evaluated: 2022-11-10. Review status: criteria provided, single submitter. Criteria: Ambry Variant Classification Scheme 2023. Collection method: clinical testing. Allele origin: germline.

NM_017950.4(CCDC40):c.166G>A (p.Val56Ile)

Gene: CCDC40 (coiled-coil domain 40 molecular ruler complex subunit; plus strand). Cytogenetic location: 17q25.3.
Variant type: single nucleotide variant.
Coding change: c.166G>A on transcript NM_017950.4 (MANE Select); coding-DNA position 166, G replaced by A.
Protein change: p.Val56Ile; replaces valine 56 with isoleucine.
Molecular consequence: missense variant.
Genome position (GRCh38, 1-based): chr17:80,039,884, G>A. VCF-style: chr17-80039884-G-A. GRCh37 (hg19) VCF-style: chr17-78013683-G-A.
Other names: p.Val56Ile; c.166G>A, p.Val56Ile (NM_001243342.2, NM_001330508.2); short protein forms V56I.
Identifiers: ClinVar variation 2363933 (VCV002363933.2), dbSNP rs2037228215, ClinGen allele CA401347250.